The following is an entry in ClinVar:

NM_005546.4(ITK):c.1414T>C (p.Tyr472His)

Gene: ITK (IL2 inducible T cell kinase; plus strand). Cytogenetic location: 5q33.3.
Variant type: single nucleotide variant.
Coding change: c.1414T>C on transcript NM_005546.4 (MANE Select); coding-DNA position 1414, T replaced by C.
Protein change: p.Tyr472His; replaces tyrosine 472 with histidine.
Molecular consequence: missense variant.
Genome position (GRCh38, 1-based): chr5:157,244,443, T>C. VCF-style: chr5-157244443-T-C. GRCh37 (hg19) VCF-style: chr5-156671453-T-C.
Other names: short protein forms Y472H.
Identifiers: ClinVar variation 1473469 (VCV001473469.8), dbSNP rs2113775104, ClinGen allele CA361961920.

ClinVar aggregate classification (germline): Uncertain significance (1 of 4 stars; one submission).

Conditions:
Lymphoproliferative syndrome 1 (LPFS1). Identifiers: Orphanet 238505, Orphanet 538963, MedGen C3552634, MONDO:0013081, OMIM 613011.

Submission:

Labcorp Genetics (formerly Invitae), Labcorp
Classification: Uncertain significance for Lymphoproliferative syndrome 1. Last evaluated: 2022-08-19. Review status: criteria provided, single submitter. Criteria: Invitae Variant Classification Sherloc (09022015). Collection method: clinical testing. Allele origin: germline.
Comment: This variant has not been reported in the literature in individuals affected with ITK-related conditions. This variant is not present in population databases (gnomAD no frequency). This sequence change replaces tyrosine, which is neutral and polar, with histidine, which is basic and polar, at codon 472 of the ITK protein (p.Tyr472His). In summary, the available evidence is currently insufficient to determine the role of this variant in disease. Therefore, it has been classified as a Variant of Uncertain Significance. Advanced modeling of protein sequence and biophysical properties (such as structural, functional, and spatial information, amino acid conservation, physicochemical variation, residue mobility, and thermodynamic stability) performed at Invitae indicates that this missense variant is not expected to disrupt ITK protein function. ClinVar contains an entry for this variant (Variation ID: 1473469).